The following is an entry in ClinVar:

NM_000126.4(ETFA):c.797C>T (p.Thr266Met)

Gene: ETFA (electron transfer flavoprotein subunit alpha; minus strand). Cytogenetic location: 15q24.2.
Variant type: single nucleotide variant.
Coding change: c.797C>T on transcript NM_000126.4 (MANE Select); coding-DNA position 797, C replaced by T.
Protein change: p.Thr266Met; replaces threonine 266 with methionine.
Molecular consequence: missense variant.
Genome position (GRCh38, 1-based): chr15:76,274,431, G>A on the plus strand (C>T on the coding strand, the complement: ETFA is on the minus strand). VCF-style: chr15-76274431-G-A. GRCh37 (hg19) VCF-style: chr15-76566772-G-A.
Other names: p.T266M:ACG>ATG; c.650C>T, p.Thr217Met (NM_001127716.2); short protein forms T266M, T217M.
Identifiers: ClinVar variation 2594 (VCV000002594.57), dbSNP rs119458970, ClinGen allele CA115638.
Genomic context (GRCh38, chr15:76,274,431, plus strand): 5'-CCCATAACATTTTACACAGCATATTTTATTGCAATACTTACTGGTGCTACTATTTTTCCC[G>A]TCTGTCCAACTTGCATGTCATTGGGAACAAAGCCAGCATCAACAGCAGCACGGGAAGCAC-3'
Protein context (NP_000117.1, residues 256-276): FVPNDMQVGQ[Thr266Met]GKIVAPELYI

ClinVar aggregate classification (germline): Pathogenic. Review status: criteria provided, multiple submitters, no conflicts (2 of 4 stars). 16 submissions from 16 submitters: Pathogenic (14). 2 of the submissions do not count toward it. Last evaluated 2026-01-12.

Conditions:
ETFA-related disorders.
ETFA-related disorder. Also called: ETFA-related condition.
Glutaric acidemia type 2A.
Inborn genetic diseases. Identifiers: MedGen C0950123, MeSH D030342.
Glutaric acidemia IIa. Also called: ETFA deficiency. Identifiers: MedGen C3278154, MONDO:0700073.
Multiple acyl-CoA dehydrogenase deficiency (MADD). Also called: ETHYLMALONIC-ADIPICACIDURIA; GA II; Glutaric acidemia type II; GA 2; Glutaric aciduria, type 2; Glutaric Acidemia type 2. Identifiers: Orphanet 26791, MedGen C0268596, MONDO:0009282, OMIM 231680.

Allele frequency attached by ClinVar (database versions not stated): gnomAD exomes 0.00004 and 0.00006; ExAC 0.00007; TOPMed 0.00007; gnomAD 0.00008.
gnomAD v4.1: 100 of 1,611,018 alleles (0.0062%); highest among the groups gnomAD compares: Non-Finnish European, 0.0078%; no homozygotes.

Submissions 1 to 11 of 16:

Labcorp Genetics (formerly Invitae), Labcorp
Classification: Pathogenic for Multiple acyl-CoA dehydrogenase deficiency. Last evaluated: 2026-01-12. Review status: criteria provided, single submitter. Criteria: Invitae Variant Classification Sherloc (09022015). Collection method: clinical testing. Allele origin: germline.
Comment: This sequence change replaces threonine, which is neutral and polar, with methionine, which is neutral and non-polar, at codon 266 of the ETFA protein (p.Thr266Met). This variant is present in population databases (rs119458970, gnomAD 0.01%). This missense change has been observed in individual(s) with ETFA-related conditions (PMID: 1430199, 12815589, 16510302, 26409463). In at least one individual the data is consistent with being in trans (on the opposite chromosome) from a pathogenic variant. ClinVar contains an entry for this variant (Variation ID: 2594). Invitae Evidence Modeling of protein sequence and biophysical properties (such as structural, functional, and spatial information, amino acid conservation, physicochemical variation, residue mobility, and thermodynamic stability) indicates that this missense variant is expected to disrupt ETFA protein function with a positive predictive value of 80%. Experimental studies have shown that this missense change affects ETFA function (PMID: 9334218). For these reasons, this variant has been classified as Pathogenic.

Natera, Inc.
Classification: Pathogenic for Glutaric acidemia type 2A. Last evaluated: 2026-01-09. Review status: criteria provided, single submitter. Criteria: Natera Variant Classification Schema (03/2026). Collection method: clinical testing. Allele origin: germline.
Comment: The c.797C>T variant in ETFA is a missense variant predicted to cause substitution of threonine to methionine at amino acid 266. This variant is rare in the general population with a frequency below the threshold expected for the associated phenotype(s). This variant has been observed in one or more individuals affected with the associated recessive disease, as either homozygous or compound heterozygous with a second variant (PMID: 16510302). Computational prediction algorithms indicate this variant is likely to affect gene or protein function. Given the available evidence, this variant is classified as Pathogenic.

Variantyx, Inc.
Classification: Pathogenic for Multiple acyl-CoA dehydrogenase deficiency. Last evaluated: 2025-12-19. Review status: criteria provided, single submitter. Criteria: Variantyx Assertion Criteria 2022. Collection method: clinical testing. Allele origin: germline. Inheritance: Autosomal recessive inheritance. Affected: no.
Comment: This is a nonsynonymous variant in the ETFA gene (OMIM: 608053). Pathogenic variants in this gene have been associated with autosomal recessive glutaric acidemia IIA. This variant has been identified in the homozygous or compound heterozygous state in many individuals reported in the published literature (PMID: 1430199, 31268564, 38941880, 31904027, 16510302, 26409463, 12815589, 31331668)(PM3_Very Strong). Functional studies have shown that this variant alters ETFA protein function (PMID: 9334218, 16510302, 20674745) (PS3), and multiple computational algorithms predict a deleterious effect for this variant (REVEL score: 0.945) (PP3). This variant has a 0.0078% maximum allele frequency in non-founder control populations (PM2). Based on the current evidence, this variant is classified as pathogenic for autosomal recessive glutaric acidemia IIA.

Ambry Genetics
Classification: Pathogenic for Inborn genetic diseases. Last evaluated: 2025-05-23. Review status: criteria provided, single submitter. Criteria: Ambry Variant Classification Scheme 2023. Collection method: clinical testing. Allele origin: germline.
Comment: The c.797C>T (p.T266M) alteration is located in exon 9 (coding exon 9) of the ETFA gene. This alteration results from a C to T substitution at nucleotide position 797, causing the threonine (T) at amino acid position 266 to be replaced by a methionine (M). Based on data from gnomAD, the T allele has an overall frequency of 0.004% (12/279316) total alleles studied. The highest observed frequency was 0.01% (1/10234) of Ashkenazi Jewish alleles. This variant has been identified in the homozygous state and/or in conjunction with other ETFA variant(s) in individual(s) with features consistent with glutaric acidemia II (van Rijt, 2020; van Rijt, 2019; Pontoizeau, 2016; Schiff, 2006; Freneaux, 1992). This amino acid position is highly conserved in available vertebrate species. Functional studies suggest a loss of function effect; however, additional evidence is needed to confirm these findings (Salazar, 1997; Augustin, 2018). This alteration is predicted to be deleterious by in silico analysis. Based on the available evidence, this alteration is classified as pathogenic.

Mayo Clinic Laboratories, Mayo Clinic
Classification: Pathogenic. Last evaluated: 2025-02-18. Review status: criteria provided, single submitter. Criteria: ACMG Guidelines, 2015. Collection method: clinical testing. Allele origin: germline. Observed: 1 variant allele.
Comment: PP3_strong, PM2_supporting, PM3_very_strong, PS3_supporting

Victorian Clinical Genetics Services, Murdoch Childrens Research Institute
Classification: Pathogenic for Multiple acyl-CoA dehydrogenase deficiency. Last evaluated: 2024-10-10. Review status: criteria provided, single submitter. Criteria: ACMG Guidelines, 2015. Collection method: clinical testing. Allele origin: germline. Inheritance: Autosomal recessive inheritance.
Comment: Based on the classification scheme VCGS_Germline_v1.3.3, this variant is classified as pathogenic. Following criteria are met: 0102 - Loss of function is a known mechanism of disease in this gene and is associated with recessive glutaric acidemia IIA (MIM#231680). (I) 0106 - This gene is associated with autosomal recessive disease. (I) 0200 - Variant is predicted to result in a missense amino acid change from threonine to methionine. (I) 0251 - This variant is heterozygous. (I) 0304 - Variant is present in gnomAD <0.01 for a recessive condition (v2: 12 heterozygotes, 0 homozygotes). (SP) 0501 - Missense variant consistently predicted to be damaging by multiple in silico tools or highly conserved with a major amino acid change. (SP) 0600 - Variant is located in the nucleotide phosphate binding region in the electron transfer flavoprotein FAD-binding domain (Decipher; Protein DataBank). (I) 0801 - This variant has strong previous evidence of pathogenicity in unrelated individuals. This variant has been reported in at least 10 individuals with neonatal or early-onset autosomal recessive glutaric acidemia IIA (MIM#231680) (ClinVar, PMIDs: 1430199, 26409463, 31268564). (SP) 1208 - Inheritance information for this variant is not currently available in this individual. (I) Legend: (SP) - Supporting pathogenic, (I) - Information, (SB) - Supporting benign

CeGaT Center for Human Genetics Tuebingen
Classification: Pathogenic. Last evaluated: 2024-03-01. Review status: criteria provided, single submitter. Criteria: CeGaT Center For Human Genetics Tuebingen Variant Classification Criteria Version 2. Collection method: clinical testing. Allele origin: germline. Affected: yes. Observed: 4 variant alleles.
Comment: ETFA: PM3:Very Strong, PM2, PP3, PP4, PS3:Supporting

Blueprint Genetics
Classification: Pathogenic for ETFA-related disorders. Last evaluated: 2024-02-20. Review status: criteria provided, single submitter. Criteria: ACMG Guidelines, 2015. Collection method: clinical testing. Allele origin: germline. Affected: yes. Observed: 5 variant alleles.

Baylor Genetics
Classification: Pathogenic for Multiple acyl-CoA dehydrogenase deficiency. Last evaluated: 2024-02-10. Review status: criteria provided, single submitter. Criteria: ACMG Guidelines, 2015. Collection method: clinical testing. Allele origin: unknown.

Women's Health and Genetics/Laboratory Corporation of America, LabCorp
Classification: Pathogenic for Multiple acyl-CoA dehydrogenase deficiency. Last evaluated: 2023-04-18. Review status: criteria provided, single submitter. Criteria: LabCorp Variant Classification Summary - May 2015. Collection method: clinical testing. Allele origin: germline.
Comment: Variant summary: ETFA c.797C>T (p.Thr266Met) results in a non-conservative amino acid change located in the C-terminal domain (IPR014731) of the encoded protein sequence. Five of five in-silico tools predict a damaging effect of the variant on protein function. The variant allele was found at a frequency of 4.4e-05 in 247916 control chromosomes (gnomAD). This frequency is not higher than estimated for a pathogenic variant in ETFA causing Glutaric Aciduria, Type 2a (4.4e-05 vs 0.0011), allowing no conclusion about variant significance. c.797C>T has been reported in the literature in multiple individuals affected with Glutaric Aciduria, Type 2a (Freneaux_1992, van Rijt_2019). These data indicate that the variant is very likely to be associated with disease. Experimental evidence demonstrated the variant affects protein function (Salazar_1997, van Rijt_2019). Eight clinical diagnostic laboratories have submitted clinical-significance assessments for this variant to ClinVar after 2014 and classified the variant as pathogenic. Based on the evidence outlined above, the variant was classified as pathogenic.

Fulgent Genetics
Classification: Pathogenic for Multiple acyl-CoA dehydrogenase deficiency. Last evaluated: 2022-05-11. Review status: criteria provided, single submitter. Criteria: ACMG Guidelines, 2015. Collection method: clinical testing. Allele origin: unknown.